The following is an entry in ClinVar:

ClinVar aggregate classification (germline): Uncertain significance (1 of 4 stars; one submission).

Conditions:
Capillary malformation-arteriovenous malformation syndrome. Also called: Capillary malformation-arteriovenous malformation. Identifiers: Orphanet 137667, MedGen C1842180, MONDO:0012016.

Allele frequency attached by ClinVar (database versions not stated): gnomAD exomes 0.00001; TOPMed below 0.00001; ExAC 0.00001.
gnomAD v4.1: 8 of 1,611,532 alleles (0.0005%); highest among the groups gnomAD compares: African/African-American, 0.0013%; no homozygotes.

Submission:

Labcorp Genetics (formerly Invitae), Labcorp
Classification: Uncertain significance for Capillary malformation-arteriovenous malformation syndrome. Last evaluated: 2021-11-29. Review status: criteria provided, single submitter. Criteria: Invitae Variant Classification Sherloc (09022015). Collection method: clinical testing. Allele origin: germline.
Comment: In summary, the available evidence is currently insufficient to determine the role of this variant in disease. Therefore, it has been classified as a Variant of Uncertain Significance. Algorithms developed to predict the effect of sequence changes on RNA splicing suggest that this variant may create or strengthen a splice site. This variant has not been reported in the literature in individuals affected with RASA1-related conditions. This variant is present in population databases (rs752030661, gnomAD 0.007%). This sequence change affects codon 413 of the RASA1 mRNA. It is a 'silent' change, meaning that it does not change the encoded amino acid sequence of the RASA1 protein.

NM_002890.3(RASA1):c.1239C>T (p.Gly413=)

Genes: CCNH (cyclin H; minus strand), RASA1 (RAS p21 protein activator 1; plus strand). Cytogenetic location: 5q14.3.
Variant type: single nucleotide variant.
Coding change: c.1239C>T on transcript NM_002890.3 (MANE Select); coding-DNA position 1239, C replaced by T.
Protein change: p.Gly413=; no amino-acid change (glycine 413 retained).
Molecular consequence: synonymous variant. On other transcripts: intron variant (1).
Genome position (GRCh38, 1-based): chr5:87,349,350, C>T. VCF-style: chr5-87349350-C-T. GRCh37 (hg19) VCF-style: chr5-86645167-C-T.
Other names: c.708C>T, p.Gly236= (NM_022650.3); c.934-36555G>A (NM_001364075.2).
Identifiers: ClinVar variation 1447215 (VCV001447215.6), dbSNP rs752030661, ClinGen allele CA3335679.
Genomic context (GRCh38, chr5:87,349,350, plus strand): 5'-TGAAAATATTCAGCGATTTAAAATATGTCCAACGCCAAACAATCAGTTTATGATGGGAGG[C>T]CGGTATTATAACAGGTAAATCATAATTTTTTAGCTATCTTTTACTTTTCGCAAAAATAGT-3'
Protein context (NP_002881.1, residues 403-423): PTPNNQFMMG[Gly413=]RYYNSIGDII